The following is an entry in ClinVar:

ClinVar aggregate classification (germline): Uncertain significance. Review status: criteria provided, multiple submitters, no conflicts (2 of 4 stars). 2 submissions from 2 submitters: Uncertain significance (2). Last evaluated 2025-11-05.

gnomAD v4.1: 1 of 1,614,108 alleles (0.000062%); highest among the groups gnomAD compares: Admixed American, 0.0017%; no homozygotes.

Submissions (2):

Ambry Genetics
Classification: Uncertain significance. Last evaluated: 2025-11-05. Review status: criteria provided, single submitter. Criteria: Ambry Variant Classification Scheme 2023. Collection method: clinical testing. Allele origin: germline.

Labcorp Genetics (formerly Invitae), Labcorp
Classification: Uncertain significance. Last evaluated: 2025-04-11. Review status: criteria provided, single submitter. Criteria: Invitae Variant Classification Sherloc (09022015). Collection method: clinical testing. Allele origin: germline.
Comment: This sequence change replaces isoleucine, which is neutral and non-polar, with valine, which is neutral and non-polar, at codon 2231 of the SPTA1 protein (p.Ile2231Val). This variant is not present in population databases (gnomAD no frequency). This variant has not been reported in the literature in individuals affected with SPTA1-related conditions. Invitae Evidence Modeling of protein sequence and biophysical properties (such as structural, functional, and spatial information, amino acid conservation, physicochemical variation, residue mobility, and thermodynamic stability) indicates that this missense variant is not expected to disrupt SPTA1 protein function with a negative predictive value of 80%. In summary, the available evidence is currently insufficient to determine the role of this variant in disease. Therefore, it has been classified as a Variant of Uncertain Significance.

NM_003126.4(SPTA1):c.6691A>G (p.Ile2231Val)

Gene: SPTA1 (spectrin alpha, erythrocytic 1; minus strand). Cytogenetic location: 1q23.1.
Variant type: single nucleotide variant.
Coding change: c.6691A>G on transcript NM_003126.4 (MANE Select); coding-DNA position 6691, A replaced by G.
Protein change: p.Ile2231Val; replaces isoleucine 2231 with valine.
Molecular consequence: missense variant.
Genome position (GRCh38, 1-based): chr1:158,615,313, T>C on the plus strand (A>G on the coding strand, the complement: SPTA1 is on the minus strand). VCF-style: chr1-158615313-T-C. GRCh37 (hg19) VCF-style: chr1-158585103-T-C.
Other names: short protein forms I2231V.
Identifiers: ClinVar variation 4589263 (VCV004589263.2).